The following is an entry in ClinVar:

NM_001844.5(COL2A1):c.1631C>T (p.Ala544Val)

Gene: COL2A1 (collagen type II alpha 1 chain; minus strand). Cytogenetic location: 12q13.11.
Variant type: single nucleotide variant.
Coding change: c.1631C>T on transcript NM_001844.5 (MANE Select); coding-DNA position 1631, C replaced by T.
Protein change: p.Ala544Val; replaces alanine 544 with valine.
Molecular consequence: missense variant.
Genome position (GRCh38, 1-based): chr12:47,985,777, G>A on the plus strand (C>T on the coding strand, the complement: COL2A1 is on the minus strand). VCF-style: chr12-47985777-G-A. GRCh37 (hg19) VCF-style: chr12-48379560-G-A.
Other names: c.1424C>T, p.Ala475Val (NM_033150.3); short protein forms A475V, A544V.
Identifiers: ClinVar variation 4765337 (VCV004765337.1).

ClinVar aggregate classification (germline): Uncertain significance (1 of 4 stars; one submission).

Submission:

Labcorp Genetics (formerly Invitae), Labcorp
Classification: Uncertain significance. Last evaluated: 2025-10-12. Review status: criteria provided, single submitter. Criteria: Invitae Variant Classification Sherloc (09022015). Collection method: clinical testing. Allele origin: germline.
Comment: This sequence change replaces alanine, which is neutral and non-polar, with valine, which is neutral and non-polar, at codon 544 of the COL2A1 protein (p.Ala544Val). This variant is not present in population databases (gnomAD no frequency). This variant has not been reported in the literature in individuals affected with COL2A1-related conditions. Invitae Evidence Modeling of protein sequence and biophysical properties (such as structural, functional, and spatial information, amino acid conservation, physicochemical variation, residue mobility, and thermodynamic stability) indicates that this missense variant is not expected to disrupt COL2A1 protein function with a negative predictive value of 95%. In summary, the available evidence is currently insufficient to determine the role of this variant in disease. Therefore, it has been classified as a Variant of Uncertain Significance.